The following is an entry in ClinVar:

ClinVar aggregate classification (germline): Benign/Likely benign. Review status: criteria provided, multiple submitters, no conflicts (2 of 4 stars). 6 submissions from 6 submitters: Benign (4); Likely benign (2). Last evaluated 2026-02-04.

Conditions:
Transcobalamin II deficiency (TCN2D). Also called: TC II DEFICIENCY; TCN2 DEFICIENCY; Transcolabamin II deficiency. Identifiers: Orphanet 859, MedGen C0342701, MONDO:0010149, OMIM 275350.

Allele frequency attached by ClinVar (database versions not stated): 1000 Genomes Project 0.11302; 1000 Genomes Project 30x 0.11337; ExAC 0.11652; gnomAD exomes 0.11810 and 0.12082; ESP Exome Variant Server 0.12909; TOPMed 0.13268; gnomAD 0.13429 and 0.13702.
gnomAD v4.1: 196,685 of 1,613,936 alleles (12%); highest among the groups gnomAD compares: Admixed American, 16%; 12,749 homozygotes.

Submissions (14):

Labcorp Genetics (formerly Invitae), Labcorp
Classification: Benign for Transcobalamin II deficiency. Last evaluated: 2026-02-04. Review status: criteria provided, single submitter. Criteria: Invitae Variant Classification Sherloc (09022015). Collection method: clinical testing. Allele origin: germline.

Mayo Clinic Laboratories, Mayo Clinic
Classification: Likely benign. Last evaluated: 2025-11-03. Review status: criteria provided, single submitter. Criteria: ACMG Guidelines, 2015. Collection method: clinical testing. Allele origin: germline. Observed: 27 variant alleles.
Comment: BA1

Blueprint Genetics
Classification: Likely benign. Last evaluated: 2024-11-28. Review status: criteria provided, single submitter. Criteria: ACMG Guidelines, 2015. Collection method: clinical testing. Allele origin: germline.

GeneDx
Classification: Benign. Last evaluated: 2018-10-17. Review status: criteria provided, single submitter. Criteria: GeneDx Variant Classification Process June 2021. Collection method: clinical testing. Allele origin: germline. Affected: yes.
Comment: This variant is associated with the following publications: (PMID: 12107818, 21975197, 22102315, 21214274)

Illumina Laboratory Services, Illumina
Classification: Benign for Transcobalamin II deficiency. Last evaluated: 2018-03-06. Review status: criteria provided, single submitter. Criteria: ICSL Variant Classification Criteria 13 December 2019. Collection method: clinical testing. Allele origin: germline.
Comment: This variant was observed in the ICSL laboratory as part of a predisposition screen in an ostensibly healthy population. It had not been previously curated by ICSL or reported in the Human Gene Mutation Database (HGMD: prior to June 1st, 2018), and was therefore a candidate for classification through an automated scoring system. Utilizing variant allele frequency, disease prevalence and penetrance estimates, and inheritance mode, an automated score was calculated to assess if this variant is too frequent to cause the disease. Based on the score and internal cut-off values, a variant classified as benign is not then subjected to further curation. The score for this variant resulted in a classification of benign for this disease.

Breakthrough Genomics
Classification: Benign. Review status: criteria provided, single submitter. Criteria: ACMG Guidelines, 2015. Collection method: not provided. Allele origin: germline. Inheritance: Autosomal recessive inheritance. Affected: yes.

Dr. Peter K. Rogan Lab, Western University
No classification provided (evidence only). Condition: Cholangiocarcinoma. Review status: no classification provided. Collection method: in vitro. Allele origin: not applicable. Functional consequence: retained intron. Not counted in ClinVar's aggregate classification.

Dr. Peter K. Rogan Lab, Western University
No classification provided (evidence only). Condition: Adrenocortical carcinoma, hereditary. Review status: no classification provided. Collection method: in vitro. Allele origin: not applicable. Functional consequence: retained intron. Not counted in ClinVar's aggregate classification.

Dr. Peter K. Rogan Lab, Western University
No classification provided (evidence only). Condition: Adrenocortical carcinoma, hereditary. Review status: no classification provided. Collection method: in vitro. Allele origin: not applicable. Functional consequence: retained intron. Not counted in ClinVar's aggregate classification.

Dr. Peter K. Rogan Lab, Western University
No classification provided (evidence only). Condition: Adrenocortical carcinoma, hereditary. Review status: no classification provided. Collection method: in vitro. Allele origin: not applicable. Functional consequence: retained intron. Not counted in ClinVar's aggregate classification.

Dr. Peter K. Rogan Lab, Western University
No classification provided (evidence only). Condition: Uterine carcinosarcoma. Review status: no classification provided. Collection method: in vitro. Allele origin: not applicable. Functional consequence: retained intron. Not counted in ClinVar's aggregate classification.

Dr. Peter K. Rogan Lab, Western University
No classification provided (evidence only). Condition: Uterine carcinosarcoma. Review status: no classification provided. Collection method: in vitro. Allele origin: not applicable. Functional consequence: retained intron. Not counted in ClinVar's aggregate classification.

Dr. Peter K. Rogan Lab, Western University
No classification provided (evidence only). Condition: Uterine carcinosarcoma. Review status: no classification provided. Collection method: in vitro. Allele origin: not applicable. Functional consequence: retained intron. Not counted in ClinVar's aggregate classification.

Dr. Peter K. Rogan Lab, Western University
No classification provided (evidence only). Condition: Uveal melanoma. Review status: no classification provided. Collection method: in vitro. Allele origin: not applicable. Functional consequence: retained intron. Not counted in ClinVar's aggregate classification.

Literature cited by the submitters: PubMed 21214274 (cited by Mayo Clinic Laboratories, Mayo Clinic); PubMed 21865561 (cited by Mayo Clinic Laboratories, Mayo Clinic).

NM_000355.4(TCN2):c.67A>G (p.Ile23Val)

Gene: TCN2 (transcobalamin 2; plus strand). Cytogenetic location: 22q12.2.
Variant type: single nucleotide variant.
Coding change: c.67A>G on transcript NM_000355.4 (MANE Select); coding-DNA position 67, A replaced by G.
Protein change: p.Ile23Val; replaces isoleucine 23 with valine.
Molecular consequence: missense variant.
Genome position (GRCh38, 1-based): chr22:30,610,873, A>G. VCF-style: chr22-30610873-A-G. GRCh37 (hg19) VCF-style: chr22-31006860-A-G.
Other names: c.67A>G, p.Ile23Val (NM_001184726.2); short protein forms I23V.
Identifiers: ClinVar variation 341188 (VCV000341188.20), dbSNP rs9606756, ClinGen allele CA10184484.